The following is an entry in ClinVar:

NM_012281.3(KCND2):c.677C>T (p.Ala226Val)

Gene: KCND2 (potassium voltage-gated channel subfamily D member 2; plus strand). Cytogenetic location: 7q31.31.
Variant type: single nucleotide variant.
Coding change: c.677C>T on transcript NM_012281.3 (MANE Select); coding-DNA position 677, C replaced by T.
Protein change: p.Ala226Val; replaces alanine 226 with valine.
Molecular consequence: missense variant.
Genome position (GRCh38, 1-based): chr7:120,275,309, C>T. VCF-style: chr7-120275309-C-T. GRCh37 (hg19) VCF-style: chr7-119915363-C-T.
Other names: short protein forms A226V.
Identifiers: ClinVar variation 4772500 (VCV004772500.1).

ClinVar aggregate classification (germline): Uncertain significance (1 of 4 stars; one submission).

Conditions:
Early Myoclonic Encephalopathy. Identifiers: MedGen C0270855.

Submission:

Labcorp Genetics (formerly Invitae), Labcorp
Classification: Uncertain significance for Early Myoclonic Encephalopathy. Last evaluated: 2025-09-02. Review status: criteria provided, single submitter. Criteria: Invitae Variant Classification Sherloc (09022015). Collection method: clinical testing. Allele origin: germline.
Comment: This sequence change replaces alanine, which is neutral and non-polar, with valine, which is neutral and non-polar, at codon 226 of the KCND2 protein (p.Ala226Val). This variant is not present in population databases (gnomAD no frequency). This variant has not been reported in the literature in individuals affected with KCND2-related conditions. Invitae Evidence Modeling of protein sequence and biophysical properties (such as structural, functional, and spatial information, amino acid conservation, physicochemical variation, residue mobility, and thermodynamic stability) indicates that this missense variant is not expected to disrupt KCND2 protein function with a negative predictive value of 95%. In summary, the available evidence is currently insufficient to determine the role of this variant in disease. Therefore, it has been classified as a Variant of Uncertain Significance.